The following is an entry in ClinVar:

ClinVar aggregate classification (germline): Uncertain significance. Review status: criteria provided, multiple submitters, no conflicts (2 of 4 stars). 2 submissions from 2 submitters: Uncertain significance (2). Last evaluated 2025-09-27.

Conditions:
Inborn genetic diseases. Identifiers: MedGen C0950123, MeSH D030342.

Submissions (2):

Ambry Genetics
Classification: Uncertain significance for Inborn genetic diseases. Last evaluated: 2025-09-27. Review status: criteria provided, single submitter. Criteria: Ambry Variant Classification Scheme 2023. Collection method: clinical testing. Allele origin: germline.

Labcorp Genetics (formerly Invitae), Labcorp
Classification: Uncertain significance. Last evaluated: 2025-08-03. Review status: criteria provided, single submitter. Criteria: Invitae Variant Classification Sherloc (09022015). Collection method: clinical testing. Allele origin: germline.
Comment: This sequence change replaces arginine, which is basic and polar, with leucine, which is neutral and non-polar, at codon 419 of the PRDM13 protein (p.Arg419Leu). This variant is not present in population databases (gnomAD no frequency). This variant has not been reported in the literature in individuals affected with PRDM13-related conditions. An algorithm developed to predict the effect of missense changes on protein structure and function (PolyPhen-2) suggests that this variant is likely to be disruptive. In summary, the available evidence is currently insufficient to determine the role of this variant in disease. Therefore, it has been classified as a Variant of Uncertain Significance.

NM_021620.4(PRDM13):c.1256G>T (p.Arg419Leu)

Gene: PRDM13 (PR/SET domain 13; plus strand). Cytogenetic location: 6q16.2.
Variant type: single nucleotide variant.
Coding change: c.1256G>T on transcript NM_021620.4 (MANE Select); coding-DNA position 1256, G replaced by T.
Protein change: p.Arg419Leu; replaces arginine 419 with leucine.
Molecular consequence: missense variant.
Genome position (GRCh38, 1-based): chr6:99,613,891, G>T. VCF-style: chr6-99613891-G-T. GRCh37 (hg19) VCF-style: chr6-100061767-G-T.
Other names: short protein forms R419L.
Identifiers: ClinVar variation 4628332 (VCV004628332.2).